The following is an entry in ClinVar:

ClinVar aggregate classification (germline): Uncertain significance (1 of 4 stars; one submission).

Conditions:
Primary ciliary dyskinesia 27. Also called: CILIARY DYSKINESIA, PRIMARY, 27, WITHOUT SITUS INVERSUS. Identifiers: Orphanet 244, MedGen C3809701, MONDO:0014215, OMIM 615504.

Submission:

Labcorp Genetics (formerly Invitae), Labcorp
Classification: Uncertain significance for Primary ciliary dyskinesia 27. Last evaluated: 2017-10-18. Review status: criteria provided, single submitter. Criteria: Invitae Variant Classification Sherloc (09022015). Collection method: clinical testing. Allele origin: germline.
Comment: In summary, the available evidence is currently insufficient to determine the role of this variant in disease. Therefore, it has been classified as a Variant of Uncertain Significance. Experimental studies and prediction algorithms are not available for this variant, and the functional significance of the deleted amino acids is currently unknown. This variant has not been reported in the literature in individuals with CCDC65-related disease. This variant is not present in population databases (ExAC no frequency). This variant, c.144_164del, results in the deletion of 7 amino acids of the CCDC65 protein (p.Lys49_Ala55del), but otherwise preserves the integrity of the reading frame.

NM_033124.5(DRC2):c.144_164del (p.Lys49_Ala55del)

Gene: DRC2 (dynein regulatory complex subunit 2; plus strand). Cytogenetic location: 12q13.12.
Variant type: Deletion.
Coding change: c.144_164del on transcript NM_033124.5 (MANE Select); coding-DNA positions 144 to 164, 21 bases deleted (CAAGGAGGAACACAACAGTGC).
Protein change: p.Lys49_Ala55del.
Molecular consequence: inframe deletion. On other transcripts: splice acceptor variant (1).
Genome position (GRCh38, 1-based): chr12:48,904,957-48,904,977, CAAGGAGGAACACAACAGTGC deleted; deleting any 21 consecutive bases within chr12:48,904,955-48,904,977 gives the same sequence; the c. name uses the placement nearest the transcript's 3' end. VCF-style (leftmost placement, unchanged base first): chr12-48904954-GGCCAAGGAGGAACACAACAGT-G. GRCh37 (hg19) VCF-style: chr12-49298737-GGCCAAGGAGGAACACAACAGT-G.
Other names: c.-279-7_-266del (NM_001286957.2).
Identifiers: ClinVar variation 541528 (VCV000541528.8), dbSNP rs1187237772, ClinGen allele CA658797897.